The following is an entry in ClinVar:

ClinVar aggregate classification (germline): Uncertain significance (1 of 4 stars; one submission).

Submission:

Labcorp Genetics (formerly Invitae), Labcorp
Classification: Uncertain significance. Last evaluated: 2025-08-20. Review status: criteria provided, single submitter. Criteria: Invitae Variant Classification Sherloc (09022015). Collection method: clinical testing. Allele origin: germline.
Comment: This sequence change replaces leucine, which is neutral and non-polar, with proline, which is neutral and non-polar, at codon 1091 of the LRRK1 protein (p.Leu1091Pro). This variant is not present in population databases (gnomAD no frequency). This variant has not been reported in the literature in individuals affected with LRRK1-related conditions. An algorithm developed to predict the effect of missense changes on protein structure and function (PolyPhen-2) suggests that this variant is likely to be disruptive. In summary, the available evidence is currently insufficient to determine the role of this variant in disease. Therefore, it has been classified as a Variant of Uncertain Significance.

NM_024652.6(LRRK1):c.3272T>C (p.Leu1091Pro)

Genes: LRRK1 (leucine rich repeat kinase 1; plus strand), LRRK1-AS1 (LRRK1 antisense RNA 1; minus strand). Cytogenetic location: 15q26.3.
Variant type: single nucleotide variant.
Coding change: c.3272T>C on transcript NM_024652.6 (MANE Select); coding-DNA position 3272, T replaced by C.
Protein change: p.Leu1091Pro; replaces leucine 1091 with proline.
Molecular consequence: missense variant.
Genome position (GRCh38, 1-based): chr15:101,048,630, T>C. VCF-style: chr15-101048630-T-C. GRCh37 (hg19) VCF-style: chr15-101588835-T-C.
Other names: short protein forms L1091P.
Identifiers: ClinVar variation 4725476 (VCV004725476.1).